The following is an entry in ClinVar:

ClinVar aggregate classification (germline): Uncertain significance (1 of 4 stars; one submission).

Conditions:
GLUT1 deficiency syndrome 1, autosomal recessive. Identifiers: MedGen C3149117.

Allele frequency attached by ClinVar (database versions not stated): TOPMed below 0.00001; gnomAD 0.00001.

Submission:

Labcorp Genetics (formerly Invitae), Labcorp
Classification: Uncertain significance for GLUT1 deficiency syndrome 1, autosomal recessive. Last evaluated: 2022-02-27. Review status: criteria provided, single submitter. Criteria: Invitae Variant Classification Sherloc (09022015). Collection method: clinical testing. Allele origin: germline.
Comment: In summary, the available evidence is currently insufficient to determine the role of this variant in disease. Therefore, it has been classified as a Variant of Uncertain Significance. Variants that disrupt the consensus splice site are a relatively common cause of aberrant splicing (PMID: 17576681, 9536098). Algorithms developed to predict the effect of sequence changes on RNA splicing suggest that this variant is not likely to affect RNA splicing. This variant has not been reported in the literature in individuals affected with SLC2A1-related conditions. This variant is present in population databases (no rsID available, gnomAD 0.01%). This sequence change falls in intron 1 of the SLC2A1 gene. It does not directly change the encoded amino acid sequence of the SLC2A1 protein. It affects a nucleotide within the consensus splice site.

Literature cited by the submitters: PubMed 17576681; PubMed 9536098.

NM_006516.4(SLC2A1):c.18+6T>C

Genes: SLC2A1 (solute carrier family 2 member 1; minus strand), LOC129930369 (ATAC-STARR-seq lymphoblastoid silent region 772; plus strand). Cytogenetic location: 1p34.2.
Variant type: single nucleotide variant.
Coding change: c.18+6T>C on transcript NM_006516.4 (MANE Select); 6 bases into the intron after coding-DNA position 18, T replaced by C.
Molecular consequence: intron variant.
Genome position (GRCh38, 1-based): chr1:42,958,628, A>G on the plus strand (T>C on the coding strand, the complement: SLC2A1 is on the minus strand). VCF-style: chr1-42958628-A-G. GRCh37 (hg19) VCF-style: chr1-43424299-A-G.
Identifiers: ClinVar variation 2137826 (VCV002137826.4), dbSNP rs1213322422, ClinGen allele CA522502548.